The following is an entry in ClinVar:

ClinVar aggregate classification (germline): Pathogenic (1 of 4 stars; one submission).

Allele frequency attached by ClinVar (database versions not stated): gnomAD exomes below 0.00001 and 0.00001; gnomAD 0.00001; ExAC 0.00002; TOPMed 0.00002; ESP Exome Variant Server 0.00008.

Submission:

Labcorp Genetics (formerly Invitae), Labcorp
Classification: Pathogenic. Last evaluated: 2025-08-29. Review status: criteria provided, single submitter. Criteria: Invitae Variant Classification Sherloc (09022015). Collection method: clinical testing. Allele origin: germline.
Comment: This sequence change creates a premature translational stop signal (p.Ser491Cysfs*43) in the LAMC3 gene. It is expected to result in an absent or disrupted protein product. Loss-of-function variants in LAMC3 are known to be pathogenic (PMID: 21572413, 26802095). This variant is present in population databases (rs781177649, gnomAD 0.004%). This variant has not been reported in the literature in individuals affected with LAMC3-related conditions. ClinVar contains an entry for this variant (Variation ID: 1458997). For these reasons, this variant has been classified as Pathogenic.

Literature cited by the submitters: PubMed 21572413; PubMed 26802095.

NM_006059.4(LAMC3):c.1470_1471dup (p.Ser491fs)

Gene: LAMC3 (laminin subunit gamma 3; plus strand). Cytogenetic location: 9q34.12.
Variant type: Duplication.
Coding change: c.1470_1471dup on transcript NM_006059.4 (MANE Select); coding-DNA positions 1470 to 1471, 2 bases duplicated (GT; older notation c.1470_1471dupGT).
Protein change: p.Ser491fs; shifts the reading frame from serine 491.
Molecular consequence: frameshift variant.
Genome position (GRCh38, 1-based): chr9:131,045,611-131,045,612, GT duplicated. VCF-style (leftmost placement, unchanged base first): chr9-131045610-C-CGT. GRCh37 (hg19) VCF-style: chr9-133920997-C-CGT.
Other names: short protein forms S491fs.
Identifiers: ClinVar variation 1458997 (VCV001458997.6), dbSNP rs781177649, ClinGen allele CA5287096.